The following is an entry in ClinVar:

NM_001267550.2(TTN):c.42181A>T (p.Lys14061Ter)

Gene: TTN (titin; minus strand). Cytogenetic location: 2q31.2.
Variant type: single nucleotide variant.
Coding change: c.42181A>T on transcript NM_001267550.2 (MANE Select); coding-DNA position 42181, A replaced by T.
Protein change: p.Lys14061Ter; replaces lysine 14061 with a stop codon.
Molecular consequence: nonsense.
Genome position (GRCh38, 1-based): chr2:178,634,600, T>A on the plus strand (A>T on the coding strand, the complement: TTN is on the minus strand). VCF-style: chr2-178634600-T-A. GRCh37 (hg19) VCF-style: chr2-179499327-T-A.
Other names: c.37258A>T, p.Lys12420Ter (NM_001256850.1); c.14986A>T, p.Lys4996Ter (NM_003319.4); c.34477A>T, p.Lys11493Ter (NM_133378.4); c.15361A>T, p.Lys5121Ter (NM_133432.3); c.15562A>T, p.Lys5188Ter (NM_133437.4); short protein forms K11493*, K12420*, K14061*, K4996*, K5121*, K5188*.
Identifiers: ClinVar variation 2020190 (VCV002020190.4), dbSNP rs2471552523, ClinGen allele CA349655593.

ClinVar aggregate classification (germline): Likely pathogenic (1 of 4 stars; one submission).

Conditions:
Autosomal recessive limb-girdle muscular dystrophy type 2J (LGMDR10). Also called: Limb-girdle muscular dystrophy, type 2J; MUSCULAR DYSTROPHY, LIMB-GIRDLE, AUTOSOMAL RECESSIVE 10. Identifiers: Orphanet 140922, MedGen C1837342, MONDO:0012127, OMIM 608807.
Dilated cardiomyopathy 1G (CMD1G). Identifiers: Orphanet 154, MedGen C1858763, MONDO:0011400, OMIM 604145.

Submission:

Labcorp Genetics (formerly Invitae), Labcorp
Classification: Likely pathogenic for Dilated cardiomyopathy 1G; Autosomal recessive limb-girdle muscular dystrophy type 2J. Last evaluated: 2024-10-28. Review status: criteria provided, single submitter. Criteria: Invitae Variant Classification Sherloc (09022015). Collection method: clinical testing. Allele origin: germline.
Comment: This sequence change creates a premature translational stop signal (p.Lys14061*) in the TTN gene. While this is not anticipated to result in nonsense mediated decay, it is expected to create a truncated TTN protein. This variant is not present in population databases (gnomAD no frequency). This variant has not been reported in the literature in individuals affected with TTN-related conditions. ClinVar contains an entry for this variant (Variation ID: 2020190). Algorithms developed to predict the effect of sequence changes on RNA splicing suggest that this variant may disrupt the consensus splice site. This variant is located in the I band of TTN (PMID: 25589632). Truncating variants in this region have been reported in individuals affected with autosomal recessive centronuclear myopathy (PMID: 23975875, internal data). Truncating variants in this region have also been identified in individuals affected with autosomal dominant dilated cardiomyopathy and/or cardio-related conditions (PMID: 27869827, 32964742, internal data). In summary, the currently available evidence indicates that the variant is pathogenic, but additional data are needed to prove that conclusively. Therefore, this variant has been classified as Likely Pathogenic.

Literature cited by the submitters: PubMed 25589632; PubMed 23975875; PubMed 27869827; PubMed 32964742.